The following is an entry in ClinVar:

ClinVar aggregate classification (germline): Conflicting classifications of pathogenicity. Review status: criteria provided, conflicting classifications (1 of 4 stars). 2 submissions from 2 submitters: Uncertain significance (1); Likely benign (1). Last evaluated 2023-03-23.

Conditions:
Hereditary cancer-predisposing syndrome. Also called: Neoplastic Syndromes, Hereditary; Tumor predisposition; Hereditary neoplastic syndrome; Hereditary Cancer Syndrome. Identifiers: Orphanet 140162, MedGen C0027672, MeSH D009386, MONDO:0015356.

Submissions (2):

University of Washington Department of Laboratory Medicine, University of Washington
Classification: Likely benign for Hereditary cancer-predisposing syndrome. Last evaluated: 2023-03-23. Review status: criteria provided, single submitter. Criteria: Dines et al. (Genet Med. 2020). Collection method: curation. Allele origin: germline.
Comment: Missense variant in a coldspot region where missense variants are very unlikely to be pathogenic (PMID:31911673).

BRCA2 exon 11 coldspot. Reclassification based on statistical prior probability.

Ambry Genetics
Classification: Uncertain significance for Hereditary cancer-predisposing syndrome. Last evaluated: 2018-04-10. Review status: criteria provided, single submitter. Criteria: Ambry Variant Classification Scheme 2023. Collection method: clinical testing. Allele origin: germline.
Comment: The p.T1225K variant (also known as c.3674C>A), located in coding exon 10 of the BRCA2 gene, results from a C to A substitution at nucleotide position 3674. The threonine at codon 1225 is replaced by lysine, an amino acid with similar properties. This amino acid position is poorly conserved in available vertebrate species. In addition, this alteration is predicted to be tolerated by in silico analysis. Since supporting evidence is limited at this time, the clinical significance of this alteration remains unclear.

NM_000059.4(BRCA2):c.3674C>A (p.Thr1225Lys)

Gene: BRCA2 (BRCA2 DNA repair associated; plus strand). Cytogenetic location: 13q13.1.
Variant type: single nucleotide variant.
Coding change: c.3674C>A on transcript NM_000059.4 (MANE Select); coding-DNA position 3674, C replaced by A.
Protein change: p.Thr1225Lys; replaces threonine 1225 with lysine.
Molecular consequence: missense variant.
Genome position (GRCh38, 1-based): chr13:32,338,029, C>A. VCF-style: chr13-32338029-C-A. GRCh37 (hg19) VCF-style: chr13-32912166-C-A.
Other names: short protein forms T1225K.
Identifiers: ClinVar variation 824057 (VCV000824057.6), dbSNP rs1490822985, ClinGen allele CA387777998.
Genomic context (GRCh38, chr13:32,338,029, plus strand): 5'-CTGGTTATTTAACAGATGAAAATGAAGTGGGGTTTAGGGGCTTTTATTCTGCTCATGGCA[C>A]AAAACTGAATGTTTCTACTGAAGCTCTGCAAAAAGCTGTGAAACTGTTTAGTGATATTGA-3'
Protein context (NP_000050.3, residues 1215-1235): GFRGFYSAHG[Thr1225Lys]KLNVSTEALQ